The following is an entry in ClinVar:

ClinVar aggregate classification (germline): Uncertain significance. Review status: criteria provided, multiple submitters, no conflicts (2 of 4 stars). 7 submissions from 7 submitters: Uncertain significance (7). Last evaluated 2026-01-05.

Conditions:
Anemia, congenital dyserythropoietic, type 1a (CDAN1A). Also called: CDAN1-Related Congenital Dyserythropoietic Anemia; DYSERYTHROPOIETIC ANEMIA, CONGENITAL, TYPE Ia. Identifiers: MedGen C5574667, MONDO:0009135, OMIM 224120.
Congenital dyserythropoietic anemia, type I. Also called: Dyserythropoietic anemia, congenital type 1. Identifiers: Orphanet 98869, MedGen C0271933, MONDO:0020337. Disease mechanism: loss of function.

Allele frequency attached by ClinVar (database versions not stated): ExAC 0.00002; gnomAD exomes 0.00003; TOPMed 0.00006; gnomAD 0.00007 and 0.00010; ESP Exome Variant Server 0.00015.
gnomAD v4.1: 63 of 1,613,878 alleles (0.0039%); highest among the groups gnomAD compares: Middle Eastern, 0.099%; 1 homozygote.

Submissions (7):

Labcorp Genetics (formerly Invitae), Labcorp
Classification: Uncertain significance. Last evaluated: 2026-01-05. Review status: criteria provided, single submitter. Criteria: Invitae Variant Classification Sherloc (09022015). Collection method: clinical testing. Allele origin: germline.
Comment: This sequence change replaces serine, which is neutral and polar, with arginine, which is basic and polar, at codon 733 of the CDAN1 protein (p.Ser733Arg). This variant is present in population databases (rs150491625, gnomAD 0.02%). This variant has not been reported in the literature in individuals affected with CDAN1-related conditions. ClinVar contains an entry for this variant (Variation ID: 315937). An algorithm developed to predict the effect of missense changes on protein structure and function outputs the following: PolyPhen-2: "Benign". The arginine amino acid residue is found in multiple mammalian species, which suggests that this missense change does not adversely affect protein function. In summary, the available evidence is currently insufficient to determine the role of this variant in disease. Therefore, it has been classified as a Variant of Uncertain Significance.

Mayo Clinic Laboratories, Mayo Clinic
Classification: Uncertain significance. Last evaluated: 2024-10-16. Review status: criteria provided, single submitter. Criteria: ACMG Guidelines, 2015. Collection method: clinical testing. Allele origin: germline. Observed: 1 variant allele.
Comment: BP4, PM2_supporting

Blueprint Genetics
Classification: Uncertain significance. Last evaluated: 2024-08-06. Review status: criteria provided, single submitter. Criteria: ACMG Guidelines, 2015. Collection method: clinical testing. Allele origin: germline.

ARUP Laboratories, Molecular Genetics and Genomics, ARUP Laboratories
Classification: Uncertain significance for Anemia, congenital dyserythropoietic, type 1a. Last evaluated: 2024-01-02. Review status: criteria provided, single submitter. Criteria: ARUP Molecular Germline Variant Investigation Process 2024. Collection method: clinical testing. Allele origin: germline.

Revvity Omics, Revvity
Classification: Uncertain significance for Anemia, congenital dyserythropoietic, type 1a. Last evaluated: 2023-09-12. Review status: criteria provided, single submitter. Criteria: ACMG Guidelines, 2015. Collection method: clinical testing. Allele origin: germline.

GeneDx
Classification: Uncertain significance. Last evaluated: 2021-10-11. Review status: criteria provided, single submitter. Criteria: GeneDx Variant Classification Process June 2021. Collection method: clinical testing. Allele origin: germline. Affected: yes.
Comment: In silico analysis supports that this missense variant does not alter protein structure/function; Has not been previously published as pathogenic or benign to our knowledge

Illumina Laboratory Services, Illumina
Classification: Uncertain significance for Anemia, congenital dyserythropoietic, type 1a. Last evaluated: 2018-01-12. Review status: criteria provided, single submitter. Criteria: ICSL Variant Classification Criteria 13 December 2019. Collection method: clinical testing. Allele origin: germline.

NM_138477.4(CDAN1):c.2197A>C (p.Ser733Arg)

Gene: CDAN1 (codanin 1; minus strand). Cytogenetic location: 15q15.2.
Variant type: single nucleotide variant.
Coding change: c.2197A>C on transcript NM_138477.4 (MANE Select); coding-DNA position 2197, A replaced by C.
Protein change: p.Ser733Arg; replaces serine 733 with arginine.
Molecular consequence: missense variant.
Genome position (GRCh38, 1-based): chr15:42,730,193, T>G on the plus strand (A>C on the coding strand, the complement: CDAN1 is on the minus strand). VCF-style: chr15-42730193-T-G. GRCh37 (hg19) VCF-style: chr15-43022391-T-G.
Other names: p.Ser733Arg; c.2197A>C, p.Ser733Arg (LRG_1164t1); short protein forms S733R.
Identifiers: ClinVar variation 315937 (VCV000315937.15), dbSNP rs150491625, ClinGen allele CA7515765.